The following is an entry in ClinVar:

NM_001384732.1(CPLANE1):c.7700C>A (p.Pro2567His)

Gene: CPLANE1 (ciliogenesis and planar polarity effector complex subunit 1; minus strand). Cytogenetic location: 5p13.2.
Variant type: single nucleotide variant.
Coding change: c.7700C>A on transcript NM_001384732.1 (MANE Select); coding-DNA position 7700, C replaced by A.
Protein change: p.Pro2567His; replaces proline 2567 with histidine.
Molecular consequence: missense variant.
Genome position (GRCh38, 1-based): chr5:37,158,336, G>T on the plus strand (C>A on the coding strand, the complement: CPLANE1 is on the minus strand). VCF-style: chr5-37158336-G-T. GRCh37 (hg19) VCF-style: chr5-37158438-G-T.
Other names: c.7700C>A, p.Pro2567His (NM_023073.4); short protein forms P2567H.
Identifiers: ClinVar variation 1412921 (VCV001412921.8), dbSNP rs2150725321, ClinGen allele CA359475515.

ClinVar aggregate classification (germline): Uncertain significance (1 of 4 stars; one submission).

gnomAD v4.1: 1 of 1,612,578 alleles (0.000062%); highest among the groups gnomAD compares: African/African-American, 0.0013%; no homozygotes.

Submission:

Labcorp Genetics (formerly Invitae), Labcorp
Classification: Uncertain significance. Last evaluated: 2023-07-17. Review status: criteria provided, single submitter. Criteria: Invitae Variant Classification Sherloc (09022015). Collection method: clinical testing. Allele origin: germline.
Comment: In summary, the available evidence is currently insufficient to determine the role of this variant in disease. Therefore, it has been classified as a Variant of Uncertain Significance. Advanced modeling of protein sequence and biophysical properties (such as structural, functional, and spatial information, amino acid conservation, physicochemical variation, residue mobility, and thermodynamic stability) performed at Invitae indicates that this missense variant is not expected to disrupt CPLANE1 protein function. ClinVar contains an entry for this variant (Variation ID: 1412921). This variant has not been reported in the literature in individuals affected with CPLANE1-related conditions. This sequence change replaces proline, which is neutral and non-polar, with histidine, which is basic and polar, at codon 2567 of the CPLANE1 protein (p.Pro2567His). This variant is not present in population databases (gnomAD no frequency).